The following is an entry in ClinVar:

NM_000165.5(GJA1):c.433G>A (p.Val145Met)

Gene: GJA1 (gap junction protein alpha 1; plus strand). Cytogenetic location: 6q22.31.
Variant type: single nucleotide variant.
Coding change: c.433G>A on transcript NM_000165.5 (MANE Select); coding-DNA position 433, G replaced by A.
Protein change: p.Val145Met; replaces valine 145 with methionine.
Molecular consequence: missense variant.
Genome position (GRCh38, 1-based): chr6:121,447,280, G>A. VCF-style: chr6-121447280-G-A. GRCh37 (hg19) VCF-style: chr6-121768426-G-A.
Other names: short protein forms V145M.
Identifiers: ClinVar variation 1034095 (VCV001034095.1), dbSNP rs1773904110, ClinGen allele CA365559006.

ClinVar aggregate classification (germline): Uncertain significance (1 of 4 stars; one submission).

Conditions:
Atrioventricular septal defect and common atrioventricular junction. Also called: Atrioventricular septal defect 3. Identifiers: MedGen C0344783.

Submission:

Baylor Genetics
Classification: Uncertain significance for Atrioventricular septal defect. Last evaluated: 2018-07-21. Review status: criteria provided, single submitter. Criteria: ACMG Guidelines, 2015. Collection method: clinical testing. Allele origin: unknown. Affected: yes.
Comment: This variant was determined to be of uncertain significance according to ACMG Guidelines, 2015 [PMID:25741868].